The following is an entry in ClinVar:

NM_000286.3(PEX12):c.505G>A (p.Ala169Thr)

Gene: PEX12 (peroxisomal biogenesis factor 12; minus strand). Cytogenetic location: 17q12.
Variant type: single nucleotide variant.
Coding change: c.505G>A on transcript NM_000286.3 (MANE Select); coding-DNA position 505, G replaced by A.
Protein change: p.Ala169Thr; replaces alanine 169 with threonine.
Molecular consequence: missense variant.
Genome position (GRCh38, 1-based): chr17:35,577,213, C>T on the plus strand (G>A on the coding strand, the complement: PEX12 is on the minus strand). VCF-style: chr17-35577213-C-T. GRCh37 (hg19) VCF-style: chr17-33904232-C-T.
Other names: short protein forms A169T.
Identifiers: ClinVar variation 1410950 (VCV001410950.5), dbSNP rs2142230618, ClinGen allele CA399137987.

ClinVar aggregate classification (germline): Uncertain significance (1 of 4 stars; one submission).

Conditions:
Peroxisome biogenesis disorder 3A (Zellweger). Also called: PEROXISOMAL BIOGENESIS DISORDER 3A (ZELLWEGER); Peroxisome biogenesis disorder 3A. Identifiers: Orphanet 912, MedGen C3553929, MONDO:0013927, OMIM 614859.

Submission:

Labcorp Genetics (formerly Invitae), Labcorp
Classification: Uncertain significance for Peroxisome biogenesis disorder 3A (Zellweger). Last evaluated: 2021-08-31. Review status: criteria provided, single submitter. Criteria: Invitae Variant Classification Sherloc (09022015). Collection method: clinical testing. Allele origin: germline.
Comment: This sequence change replaces alanine with threonine at codon 169 of the PEX12 protein (p.Ala169Thr). The alanine residue is moderately conserved and there is a small physicochemical difference between alanine and threonine. This variant is not present in population databases (ExAC no frequency). This variant has not been reported in the literature in individuals affected with PEX12-related conditions. Algorithms developed to predict the effect of missense changes on protein structure and function (SIFT, PolyPhen-2, Align-GVGD) all suggest that this variant is likely to be tolerated. In summary, the available evidence is currently insufficient to determine the role of this variant in disease. Therefore, it has been classified as a Variant of Uncertain Significance.